The following is an entry in ClinVar:

NM_001830.4(CLCN4):c.1630G>A (p.Gly544Arg)

Gene: CLCN4 (Cl-/H+ antiporter 4; plus strand). Cytogenetic location: Xp22.2.
Variant type: single nucleotide variant.
Coding change: c.1630G>A on transcript NM_001830.4 (MANE Select); coding-DNA position 1630, G replaced by A.
Protein change: p.Gly544Arg; replaces glycine 544 with arginine.
Molecular consequence: missense variant.
Genome position (GRCh38, 1-based): chrX:10,213,734, G>A. VCF-style: chrX-10213734-G-A. GRCh37 (hg19) VCF-style: chrX-10181774-G-A.
Other names: c.1348G>A, p.Gly450Arg (NM_001256944.2); short protein forms G544R, G450R.
Identifiers: ClinVar variation 100781 (VCV000100781.48), dbSNP rs587777161, ClinGen allele CA228961.

ClinVar aggregate classification (germline): Pathogenic. Review status: criteria provided, multiple submitters, no conflicts (2 of 4 stars). 5 submissions from 5 submitters: Pathogenic (4). 1 of the submissions does not count toward it. Last evaluated 2025-01-24.

Conditions:
Intellectual disability, X-linked 49 (MRXSRC). Also called: MENTAL RETARDATION, X-LINKED 15; MRX49; CLCN4-Related Neurodevelopmental Disorder; CLCN4-related X-linked intellectual disability syndrome; RAYNAUD-CLAES SYNDROME. Identifiers: Orphanet 485350, Orphanet 777, MedGen C0796221, MONDO:0010250, OMIM 300114.

Submissions (5):

GeneDx
Classification: Pathogenic. Last evaluated: 2025-01-24. Review status: criteria provided, single submitter. Criteria: GeneDx Variant Classification Process June 2021. Collection method: clinical testing. Allele origin: germline. Affected: yes.
Comment: Published functional studies demonstrate an almost abolishment of ClC-4 currents that lead to a damaging effect (PMID: 23647072); Not observed at significant frequency in large population cohorts (gnomAD); In silico analysis supports that this missense variant has a deleterious effect on protein structure/function; This variant is associated with the following publications: (PMID: 33057194, 36385166, 37271660, 35982159, 23647072, 27550844)

Institute of Human Genetics, University of Leipzig Medical Center
Classification: Pathogenic for Intellectual disability, X-linked 49. Last evaluated: 2022-07-04. Review status: criteria provided, single submitter. Criteria: ACMG Guidelines, 2015. Collection method: clinical testing. Allele origin: de novo. Affected: yes.
Comment: This variant was identified as hemizygous._x000D_ Criteria applied: PS1, PS2, PM1, PS4_SUP, PM2_SUP, PP3

CeGaT Center for Human Genetics Tuebingen
Classification: Pathogenic. Last evaluated: 2020-02-01. Review status: criteria provided, single submitter. Criteria: CeGaT Center For Human Genetics Tuebingen Variant Classification Criteria Version 2. Collection method: clinical testing. Allele origin: germline. Affected: yes. Observed: 2 variant alleles.

3billion
Classification: Pathogenic for Intellectual disability, X-linked 49. Review status: criteria provided, single submitter. Criteria: ACMG Guidelines, 2015. Collection method: clinical testing. Allele origin: unknown. Affected: yes. Observed: 1 hemizygote.
Comment: The variant is not observed in the gnomAD v2.1.1 dataset. Missense changes are a common disease-causing mechanism. In silico tool predictions suggest damaging effect of the variant on gene or gene product (REVEL: 0.88; 3Cnet: 0.99). Same nucleotide change resulting in same amino acid change has been previously reported as pathogenic/likely pathogenic with strong evidence (ClinVar ID: VCV000100781 / PMID: 23647072). The variant has been previously reported as de novo in a similarly affected individual (PMID: 23647072). Therefore, this variant is classified as Pathogenic according to the recommendation of ACMG/AMP guideline.

OMIM
Classification: Pathogenic for RAYNAUD-CLAES SYNDROME. Last evaluated: 2013-07-01. Review status: no assertion criteria provided. Collection method: literature only. Allele origin: germline. Not counted in ClinVar's aggregate classification.

Literature cited by the submitters: PubMed 23647072 (cited by 3billion and OMIM); PubMed 27550844 (cited by OMIM).